The following is an entry in ClinVar:

ClinVar aggregate classification (germline): Likely benign (1 of 4 stars; one submission).

Conditions:
AP1G1-related disorder. Also called: AP1G1-related condition.

gnomAD v4.1: 340 of 1,611,768 alleles (0.021%); highest among the groups gnomAD compares: Non-Finnish European, 0.018%; no homozygotes.

Submissions (2):

PreventionGenetics, part of Exact Sciences
Classification: Likely benign for AP1G1-related condition. Last evaluated: 2025-06-03. Review status: criteria provided, single submitter. Criteria: ACMG Guidelines, 2015. Collection method: clinical testing. Allele origin: germline.
Comment: This variant is classified as likely benign based on ACMG/AMP sequence variant interpretation guidelines (Richards et al. 2015 PMID: 25741868, with internal and published modifications).

Dr. Peter K. Rogan Lab, Western University
No classification provided (evidence only). Condition: Acute myeloid leukemia. Review status: no classification provided. Collection method: in vitro. Allele origin: not applicable. Functional consequence: retained intron. Not counted in ClinVar's aggregate classification.

NM_001128.6(AP1G1):c.1230-3C>T

Gene: AP1G1 (adaptor related protein complex 1 subunit gamma 1; minus strand). Cytogenetic location: 16q22.2.
Variant type: single nucleotide variant.
Coding change: c.1230-3C>T on transcript NM_001128.6 (MANE Select); 3 bases into the intron before coding-DNA position 1230, C replaced by T.
Molecular consequence: intron variant.
Genome position (GRCh38, 1-based): chr16:71,753,890, G>A on the plus strand (C>T on the coding strand, the complement: AP1G1 is on the minus strand). VCF-style: chr16-71753890-G-A. GRCh37 (hg19) VCF-style: chr16-71787793-G-A.
Other names: NC_000016.9:g.71787793G>A; c.1239-3C>T (NM_001030007.1, NM_001030007.2).
Identifiers: ClinVar variation 4415135 (VCV004415135.2).